The following is an entry in ClinVar:

ClinVar aggregate classification (germline): Likely benign (1 of 4 stars; one submission).

Conditions:
SPTB-related disorder. Also called: SPTB-related condition; SPTB-Related Disorders.

gnomAD v4.1: 138 of 1,614,082 alleles (0.0085%); highest among the groups gnomAD compares: Admixed American, 0.012%; no homozygotes.

Submission:

PreventionGenetics, part of Exact Sciences
Classification: Likely benign for SPTB-related condition. Last evaluated: 2025-07-01. Review status: criteria provided, single submitter. Criteria: ACMG Guidelines, 2015. Collection method: clinical testing. Allele origin: germline.
Comment: This variant is classified as likely benign based on ACMG/AMP sequence variant interpretation guidelines (Richards et al. 2015 PMID: 25741868, with internal and published modifications).

NM_001355436.2(SPTB):c.6762C>T (p.His2254=)

Genes: PLEKHG3 (pleckstrin homology and RhoGEF domain containing G3; plus strand), SPTB (spectrin beta, erythrocytic; minus strand). Cytogenetic location: 14q23.3.
Variant type: single nucleotide variant.
Coding change: c.6762C>T on transcript NM_001355436.2 (MANE Select); coding-DNA position 6762, C replaced by T.
Protein change: p.His2254=; no amino-acid change (histidine 2254 retained).
Molecular consequence: synonymous variant. On other transcripts: 3 prime UTR variant (1).
Genome position (GRCh38, 1-based): chr14:64,749,995, G>A on the plus strand (C>T on the coding strand, the complement: SPTB is on the minus strand). VCF-style: chr14-64749995-G-A. GRCh37 (hg19) VCF-style: chr14-65216713-G-A.
Other names: c.*6292G>A (NM_001308147.2); c.6762C>T, p.His2254= (NM_001024858.4).
Identifiers: ClinVar variation 4999002 (VCV004999002.1).